The following is an entry in ClinVar:

ClinVar aggregate classification (germline): Uncertain significance (1 of 4 stars; one submission).

Submission:

Labcorp Genetics (formerly Invitae), Labcorp
Classification: Uncertain significance. Last evaluated: 2022-05-29. Review status: criteria provided, single submitter. Criteria: Invitae Variant Classification Sherloc (09022015). Collection method: clinical testing. Allele origin: germline.
Comment: This sequence change replaces glutamic acid, which is acidic and polar, with glycine, which is neutral and non-polar, at codon 631 of the MKL1 protein (p.Glu631Gly). This variant is not present in population databases (gnomAD no frequency). This variant has not been reported in the literature in individuals affected with MKL1-related conditions. Algorithms developed to predict the effect of missense changes on protein structure and function are either unavailable or do not agree on the potential impact of this missense change (SIFT: "Tolerated"; PolyPhen-2: "Probably Damaging"; Align-GVGD: "Class C0"). In summary, the available evidence is currently insufficient to determine the role of this variant in disease. Therefore, it has been classified as a Variant of Uncertain Significance.

NM_020831.6(MRTFA):c.2192A>G (p.Glu731Gly)

Gene: MRTFA (myocardin related transcription factor A; minus strand). Cytogenetic location: 22q13.1.
Variant type: single nucleotide variant.
Coding change: c.2192A>G on transcript NM_020831.6 (MANE Select); coding-DNA position 2192, A replaced by G.
Protein change: p.Glu731Gly; replaces glutamic acid 731 with glycine.
Molecular consequence: missense variant.
Genome position (GRCh38, 1-based): chr22:40,418,546, T>C on the plus strand (A>G on the coding strand, the complement: MRTFA is on the minus strand). VCF-style: chr22-40418546-T-C. GRCh37 (hg19) VCF-style: chr22-40814550-T-C.
Other names: c.1892A>G, p.Glu631Gly (NM_001282660.2); c.2042A>G, p.Glu681Gly (NM_001282661.3); c.2192A>G, p.Glu731Gly (NM_001282662.3); c.1997A>G, p.Glu666Gly (NM_001318139.2); short protein forms E681G, E631G, E666G, E731G.
Identifiers: ClinVar variation 2000760 (VCV002000760.4), dbSNP rs2517812560, ClinGen allele CA411657877.